The following is an entry in ClinVar:

NM_147686.4(TRAF3IP2):c.1290+1_1290+2del

Genes: TRAF3IP2-AS1 (TRAF3IP2 antisense RNA 1; plus strand), TRAF3IP2 (TRAF3 interacting protein 2; minus strand). Cytogenetic location: 6q21.
Variant type: Deletion.
Coding change: c.1290+1_1290+2del on transcript NM_147686.4 (MANE Select); the canonical splice donor site of the intron after coding-DNA position 1290, 2 bases deleted (GT; older notation c.1290+1_1290+2delGT).
Molecular consequence: splice donor variant.
Genome position (GRCh38, 1-based): chr6:111,572,893-111,572,894, AC deleted on the plus strand (GT on the coding strand, the reverse complement: TRAF3IP2 is on the minus strand). VCF-style (leftmost placement, unchanged base first): chr6-111572892-TAC-T. GRCh37 (hg19) VCF-style: chr6-111894095-TAC-T.
Other names: c.1290+1_1290+2del (NM_001164281.3); c.1317+1_1317+2del (NM_147200.3).
Identifiers: ClinVar variation 2075669 (VCV002075669.4), dbSNP rs1394840448, ClinGen allele CA817259435.
Genomic context (GRCh38, chr6:111,572,892, plus strand): 5'-CTGCTTTTCTCTCCATTGTACTCACTATAACTGTTCAGTTATCTATTTGGACAAAATACT[TAC>T]TGCAGTTTGGAAGCCATTTACCAACAAAAAGTTCACGAATTTCACCACCTCCATAGCTGT-3'

ClinVar aggregate classification (germline): Likely pathogenic (1 of 4 stars; one submission).

Conditions:
Candidiasis, familial, 8 (CANDF8). Identifiers: Orphanet 1334, MedGen C3714992, MONDO:0014230, OMIM 615527.

Allele frequency attached by ClinVar (database versions not stated): TOPMed below 0.00001; gnomAD exomes below 0.00001.

Submission:

Labcorp Genetics (formerly Invitae), Labcorp
Classification: Likely pathogenic for Candidiasis, familial, 8. Last evaluated: 2022-05-08. Review status: criteria provided, single submitter. Criteria: Invitae Variant Classification Sherloc (09022015). Collection method: clinical testing. Allele origin: germline.
Comment: This variant is not present in population databases (gnomAD no frequency). This sequence change affects a splice site in intron 5 of the TRAF3IP2 gene. It is expected to disrupt RNA splicing. Variants that disrupt the donor or acceptor splice site typically lead to a loss of protein function (PMID: 16199547), and loss-of-function variants in TRAF3IP2 are known to be pathogenic (PMID: 24120361). This variant has not been reported in the literature in individuals affected with TRAF3IP2-related conditions. Algorithms developed to predict the effect of sequence changes on RNA splicing suggest that this variant may disrupt the consensus splice site. In summary, the currently available evidence indicates that the variant is pathogenic, but additional data are needed to prove that conclusively. Therefore, this variant has been classified as Likely Pathogenic.

Literature cited by the submitters: PubMed 16199547; PubMed 24120361.